The following is an entry in ClinVar:

ClinVar aggregate classification (germline): Pathogenic/Likely pathogenic. Review status: criteria provided, multiple submitters, no conflicts (2 of 4 stars). 5 submissions from 5 submitters: Pathogenic (3); Likely pathogenic (1). 1 of the submissions does not count toward it. Last evaluated 2024-01-04.

Conditions:
Muscular dystrophy, limb-girdle, autosomal dominant 4. Also called: Calpain-3-related limb-girdle muscular dystrophy D4; MUSCULAR DYSTROPHY, LIMB-GIRDLE, TYPE 1I. Identifiers: Orphanet 565909, MedGen C4748295, MONDO:0029133, OMIM 618129.
Autosomal recessive limb-girdle muscular dystrophy type 2A (LGMDR1). Also called: Muscular dystrophy, limb-girdle, type 2A, Amish; Limb-girdle muscular dystrophy, type 2A; Calpainopathy; LEYDEN-MOEBIUS MUSCULAR DYSTROPHY; MUSCULAR DYSTROPHY, PELVOFEMORAL. Identifiers: Orphanet 267, MedGen C1869123, MONDO:0009675, OMIM 253600. Disease mechanism: loss of function.

Allele frequency attached by ClinVar (database versions not stated): gnomAD exomes below 0.00001.

Submissions (5):

Baylor Genetics
Classification: Pathogenic for Muscular dystrophy, limb-girdle, autosomal dominant 4. Last evaluated: 2024-01-04. Review status: criteria provided, single submitter. Criteria: ACMG Guidelines, 2015. Collection method: clinical testing. Allele origin: unknown.

GeneDx
Classification: Likely pathogenic. Last evaluated: 2023-10-15. Review status: criteria provided, single submitter. Criteria: GeneDx Variant Classification Process June 2021. Collection method: clinical testing. Allele origin: germline. Affected: yes.
Comment: Reported in association with Limb-Girdle muscular dystrophy who also harbored an additional frameshift variant in the CAPN3 gene; however, additional clinical information was not provided (Barp et al., 2019); Frameshift variant predicted to result in protein truncation or nonsense mediated decay in a gene for which loss of function is a known mechanism of disease; Not observed at significant frequency in large population cohorts (gnomAD); This variant is associated with the following publications: (PMID: 15689361, 10330340, 31555977)

Labcorp Genetics (formerly Invitae), Labcorp
Classification: Pathogenic for Autosomal recessive limb-girdle muscular dystrophy type 2A. Last evaluated: 2022-09-10. Review status: criteria provided, single submitter. Criteria: Invitae Variant Classification Sherloc (09022015). Collection method: clinical testing. Allele origin: germline.
Comment: For these reasons, this variant has been classified as Pathogenic. Algorithms developed to predict the effect of sequence changes on RNA splicing suggest that this variant may create or strengthen a splice site. ClinVar contains an entry for this variant (Variation ID: 92418). This variant has not been reported in the literature in individuals affected with CAPN3-related conditions. This variant is not present in population databases (gnomAD no frequency). This sequence change creates a premature translational stop signal (p.Ser194Profs*26) in the CAPN3 gene. It is expected to result in an absent or disrupted protein product. Loss-of-function variants in CAPN3 are known to be pathogenic (PMID: 10330340, 15689361).

Eurofins Ntd Llc (ga)
Classification: Pathogenic. Last evaluated: 2013-10-04. Review status: criteria provided, single submitter. Criteria: EGL Classification Definitions. Collection method: clinical testing. Allele origin: germline. Observed: 2 variant alleles, 2 heterozygotes.

Counsyl
Classification: Likely pathogenic for Autosomal recessive limb-girdle muscular dystrophy type 2A. Last evaluated: 2018-02-06. Review status: no assertion criteria provided. Collection method: clinical testing. Allele origin: unknown. Not counted in ClinVar's aggregate classification.

Literature cited by the submitters: PubMed 10330340 (cited by Labcorp Genetics (formerly Invitae), Labcorp); PubMed 15689361 (cited by Labcorp Genetics (formerly Invitae), Labcorp).

NM_000070.3(CAPN3):c.580del (p.Ser194fs)

Gene: CAPN3 (calpain 3; plus strand). Cytogenetic location: 15q15.1.
Variant type: Deletion.
Coding change: c.580del on transcript NM_000070.3 (MANE Select); coding-DNA position 580, one base deleted (T; older notation c.580delT).
Protein change: p.Ser194fs; shifts the reading frame from serine 194.
Molecular consequence: frameshift variant.
Genome position (GRCh38, 1-based): chr15:42,387,834, T deleted. VCF-style (leftmost placement, unchanged base first): chr15-42387833-GT-G. GRCh37 (hg19) VCF-style: chr15-42680031-GT-G.
Other names: c.580del, p.Ser194fs (NM_024344.2, NM_173087.2); c.580del (NM_000070.2); short protein forms S194fs.
Identifiers: ClinVar variation 92418 (VCV000092418.15), dbSNP rs398123149, ClinGen allele CA220353.